The following is an entry in ClinVar:

NM_004369.4(COL6A3):c.7524G>T (p.Met2508Ile)

Gene: COL6A3 (collagen type VI alpha 3 chain; minus strand). Cytogenetic location: 2q37.3.
Variant type: single nucleotide variant.
Coding change: c.7524G>T on transcript NM_004369.4 (MANE Select); coding-DNA position 7524, G replaced by T.
Protein change: p.Met2508Ile; replaces methionine 2508 with isoleucine.
Molecular consequence: missense variant.
Genome position (GRCh38, 1-based): chr2:237,344,494, C>A on the plus strand (G>T on the coding strand, the complement: COL6A3 is on the minus strand). VCF-style: chr2-237344494-C-A. GRCh37 (hg19) VCF-style: chr2-238253137-C-A.
Other names: c.5703G>T, p.Met1901Ile (NM_057166.5); c.6906G>T, p.Met2302Ile (NM_057167.4); short protein forms M2508I, M1901I, M2302I.
Identifiers: ClinVar variation 2769084 (VCV002769084.4), dbSNP rs1413058858, ClinGen allele CA351202390.
Genomic context (GRCh38, chr2:237,344,494, plus strand): 5'-CTCTCTGAGCTGTGGGGATGCTCTTGTGGGTGTGTTGCTGAAGAAAACAGCCACTTTCCT[C>A]ATTAGGAATCCGTTCCTCACACGCTTAAATGTGTTCCTGGCCACAAACGACATGGCAGTC-3'
Protein context (NP_004360.2, residues 2498-2518): TFKRVRNGFL[Met2508Ile]RKVAVFFSNT

ClinVar aggregate classification (germline): Uncertain significance. Review status: criteria provided, multiple submitters, no conflicts (2 of 4 stars). 2 submissions from 2 submitters: Uncertain significance (2). Last evaluated 2025-02-19.

Conditions:
Inborn genetic diseases. Identifiers: MedGen C0950123, MeSH D030342.
Bethlem myopathy 1A. Also called: Bethlem myopathy 1; Bethlem Muscular Dystrophy; MYOPATHY, BENIGN CONGENITAL, WITH CONTRACTURES. Identifiers: Orphanet 610, MedGen CN029274, MONDO:0024530, OMIM 158810.

Submissions (2):

Ambry Genetics
Classification: Uncertain significance for Inborn genetic diseases. Last evaluated: 2025-02-19. Review status: criteria provided, single submitter. Criteria: Ambry Variant Classification Scheme 2023. Collection method: clinical testing. Allele origin: germline.

Labcorp Genetics (formerly Invitae), Labcorp
Classification: Uncertain significance for Bethlem myopathy 1A. Last evaluated: 2023-10-16. Review status: criteria provided, single submitter. Criteria: Invitae Variant Classification Sherloc (09022015). Collection method: clinical testing. Allele origin: germline.
Comment: This sequence change replaces methionine, which is neutral and non-polar, with isoleucine, which is neutral and non-polar, at codon 2508 of the COL6A3 protein (p.Met2508Ile). This variant is not present in population databases (gnomAD no frequency). This variant has not been reported in the literature in individuals affected with COL6A3-related conditions. Advanced modeling of protein sequence and biophysical properties (such as structural, functional, and spatial information, amino acid conservation, physicochemical variation, residue mobility, and thermodynamic stability) performed at Invitae indicates that this missense variant is not expected to disrupt COL6A3 protein function. In summary, the available evidence is currently insufficient to determine the role of this variant in disease. Therefore, it has been classified as a Variant of Uncertain Significance.